The following is an entry in ClinVar:

ClinVar aggregate classification (germline): Uncertain significance. Review status: criteria provided, multiple submitters, no conflicts (2 of 4 stars). 7 submissions from 7 submitters: Uncertain significance (7). Last evaluated 2025-10-29.

Conditions:
SCN1A-related disorder. Also called: SCN1A-related conditions; SCN1A-related condition; SCN1A-related disorders.
Early-infantile DEE. Also called: Early infantile epileptic encephalopathy; Early infantile epileptic encephalopathy with suppression bursts; Ohtahara syndrome. Identifiers: Orphanet 1934, MedGen C0393706, MONDO:0800491.
Inborn genetic diseases. Identifiers: MedGen C0950123, MeSH D030342.

Allele frequency attached by ClinVar (database versions not stated): ExAC 0.00001; gnomAD exomes 0.00001; TOPMed 0.00002; ESP Exome Variant Server 0.00008.
gnomAD v4.1: 20 of 1,612,642 alleles (0.0012%); highest among the groups gnomAD compares: Non-Finnish European, 0.0016%; no homozygotes.

Submissions (7):

3billion
Classification: Uncertain significance for SCN1A-related disorder. Last evaluated: 2025-10-29. Review status: criteria provided, single submitter. Criteria: ACMG Guidelines, 2015. Collection method: clinical testing. Allele origin: germline. Affected: yes.
Comment: The variant is observed at an extremely low frequency in the gnomAD v4.1.0 dataset (total allele frequency: 0.001%). Predicted Consequence/Location: Missense variant Functional studies provide moderate evidence of the variant having a damaging effect on the gene or gene product (PMID: 30060894). In silico tool predictions suggest damaging effect of the variant on gene or gene product [REVEL: 0.90 (>=0.6, sensitivity 0.68 and specificity 0.92); 3Cnet: 1.00 (> 0.75, sensitivity 0.96 and precision 0.92)]. The same nucleotide change resulting in the same amino acid change has been previously reported to be associated with SCN1A-related disorder (PMID: 30060894). However, the evidence of pathogenicity is insufficient at this time. Therefore, this variant is classified as VUS according to the recommendation of ACMG/AMP guideline.

PreventionGenetics, part of Exact Sciences
Classification: Uncertain significance for SCN1A-related condition. Last evaluated: 2025-10-23. Review status: criteria provided, single submitter. Criteria: ACMG Guidelines, 2015. Collection method: clinical testing. Allele origin: germline.
Comment: The SCN1A c.4793A>T variant is predicted to result in the amino acid substitution p.Tyr1598Phe. This variant has been reported in an individual with schizophrenia and autism spectrum disorder without seizures (Papp-Hertelendi et al. 2018. PubMed ID: 30060894), as well as in cohort studies of individuals with epilepsy and neurodevelopmental disorders (see for examples, Table S4, Lindy et al. 2018. PubMed ID: 29655203; Skoczylas et al. 2023. PubMed ID: 37405542; Stawicka et al. 2024. PubMed ID: 38785537). This variant is reported in 0.0018% of alleles in individuals of European (non-Finnish) descent in gnomAD v2. In gnomAD v4, this variant is present in 20 individuals, which is more common than expected for a disease-causing SCN1A variant. Although we suspect that this variant may be pathogenic, at this time the clinical significance is uncertain due to the absence of conclusive functional and genetic evidence.

Blueprint Genetics
Classification: Uncertain significance. Last evaluated: 2024-05-10. Review status: criteria provided, single submitter. Criteria: ACMG Guidelines, 2015. Collection method: clinical testing. Allele origin: germline.

Labcorp Genetics (formerly Invitae), Labcorp
Classification: Uncertain significance for Early-infantile DEE. Last evaluated: 2023-06-07. Review status: criteria provided, single submitter. Criteria: Invitae Variant Classification Sherloc (09022015). Collection method: clinical testing. Allele origin: germline.
Comment: This variant is present in population databases (rs377325221, gnomAD 0.002%). This missense change has been observed in individual(s) with clinical features of SCN1A-related conditions and/or Dravet syndrome (PMID: 29655203, 31765958). ClinVar contains an entry for this variant (Variation ID: 206850). Algorithms developed to predict the effect of missense changes on protein structure and function are either unavailable or do not agree on the potential impact of this missense change (SIFT: "Deleterious"; PolyPhen-2: "Probably Damaging"; Align-GVGD: "Class C15"). This sequence change replaces tyrosine, which is neutral and polar, with phenylalanine, which is neutral and non-polar, at codon 1598 of the SCN1A protein (p.Tyr1598Phe). In summary, the available evidence is currently insufficient to determine the role of this variant in disease. Therefore, it has been classified as a Variant of Uncertain Significance.

GeneDx
Classification: Uncertain significance. Last evaluated: 2023-01-05. Review status: criteria provided, single submitter. Criteria: GeneDx Variant Classification Process June 2021. Collection method: clinical testing. Allele origin: germline. Affected: yes.
Comment: Not observed at significant frequency in large population cohorts (gnomAD); In silico analysis supports that this missense variant has a deleterious effect on protein structure/function; Missense variants in this gene are often considered pathogenic (HGMD); This substitution is predicted to be within the intracellular loop between the S2 and S3 transmembrane segments of the fourth homologous domain; This variant is associated with the following publications: (PMID: 29655203, 31765958, 30060894)

Eurofins Ntd Llc (ga)
Classification: Uncertain significance. Last evaluated: 2018-08-24. Review status: criteria provided, single submitter. Criteria: EGL ClinVar v180209 classification definitions. Collection method: clinical testing. Allele origin: germline. Observed: 1 variant allele, 1 heterozygote.

Ambry Genetics
Classification: Uncertain significance for Inborn genetic diseases. Last evaluated: 2016-06-21. Review status: criteria provided, single submitter. Criteria: Ambry Variant Classification Scheme 2023. Collection method: clinical testing. Allele origin: germline.
Comment: The p.Y1598F variant (also known as c.4793A>T), located in coding exon 25 of the SCN1A gene, results from an A to T substitution at nucleotide position 4793. The tyrosine at codon 1598 is replaced by phenylalanine, an amino acid with highly similar properties. This variant was previously reported in the SNPDatabase as rs377325221. Based on data from the NHLBI Exome Sequencing Project (ESP), the T allele has an overall frequency of approximately 0.01% (1/13006) total alleles studied and 0.01% (1/8600) European American alleles. Allele frequency data for this nucleotide position is not currently available from the 1000 Genomes Project. This amino acid position is highly conserved in available vertebrate species. In addition, this alteration is predicted to be deleterious by in silico analysis. Based on available evidence to date, the clinical significance of this variant remains unclear.

Literature cited by the submitters: PubMed 30060894 (cited by 3billion); PubMed 29655203 (cited by Labcorp Genetics (formerly Invitae), Labcorp); PubMed 31765958 (cited by Labcorp Genetics (formerly Invitae), Labcorp).

NM_001165963.4(SCN1A):c.4793A>T (p.Tyr1598Phe)

Genes: SCN1A (sodium voltage-gated channel alpha subunit 1; minus strand), LOC102724058 (uncharacterized LOC102724058; plus strand). Cytogenetic location: 2q24.3.
Variant type: single nucleotide variant.
Coding change: c.4793A>T on transcript NM_001165963.4 (MANE Select); coding-DNA position 4793, A replaced by T.
Protein change: p.Tyr1598Phe; replaces tyrosine 1598 with phenylalanine.
Molecular consequence: missense variant. On other transcripts: non-coding transcript variant (1).
Genome position (GRCh38, 1-based): chr2:165,994,205, T>A on the plus strand (A>T on the coding strand, the complement: SCN1A is on the minus strand). VCF-style: chr2-165994205-T-A. GRCh37 (hg19) VCF-style: chr2-166850715-T-A.
Other names: p.Y1598F:TAT>TTT; c.4709A>T, p.Tyr1570Phe (NM_001165964.3, NM_001353957.2, NM_001353958.2); c.4793A>T, p.Tyr1598Phe (NM_001202435.3, NM_001353948.2); c.4760A>T, p.Tyr1587Phe (NM_001353949.2, NM_001353950.2, NM_001353951.2 and 2 more transcripts); c.4757A>T, p.Tyr1586Phe (NM_001353954.2, NM_001353955.2); c.4706A>T, p.Tyr1569Phe (NM_001353960.2); c.2351A>T, p.Tyr784Phe (NM_001353961.2); c.4793A>T (NM_001202435.1); short protein forms Y1587F, Y1598F, Y1569F, Y1586F, Y784F, Y1570F.
Identifiers: ClinVar variation 206850 (VCV000206850.24), dbSNP rs377325221, ClinGen allele CA317545.